The following is an entry in ClinVar:

ClinVar aggregate classification (germline): Pathogenic (1 of 4 stars; one submission).

Conditions:
Familial cancer of breast. Also called: hereditary breast carcinoma; BREAST CANCER, FAMILIAL; Hereditary breast cancer. Identifiers: Orphanet 227535, MedGen C0346153, MONDO:0016419, OMIM 114480. Disease mechanism: loss of function.

Submission:

Labcorp Genetics (formerly Invitae), Labcorp
Classification: Pathogenic for Familial cancer of breast. Last evaluated: 2023-11-06. Review status: criteria provided, single submitter. Criteria: Invitae Variant Classification Sherloc (09022015). Collection method: clinical testing. Allele origin: germline.
Comment: This variant is a gross deletion of the genomic region encompassing exon(s) 12 of the CHEK2 gene. This deletion is out-of-frame, and is expected to create a premature termination codon and result in an absent or disrupted protein product. Loss-of-function variants in CHEK2 are known to be pathogenic (PMID: 21876083, 24713400). This variant has not been reported in the literature in individuals affected with CHEK2-related conditions. For these reasons, this variant has been classified as Pathogenic.

Literature cited by the submitters: PubMed 21876083; PubMed 24713400.

NC_000022.10:g.(?_29091105)_(29091240_?)del

Gene: CHEK2 (checkpoint kinase 2; minus strand). Cytogenetic location: 22q12.1.
Variant type: Deletion.
Identifiers: ClinVar variation 1068609 (VCV001068609.6).